The following is an entry in ClinVar:

ClinVar aggregate classification (germline): Uncertain significance (1 of 4 stars; one submission).

Allele frequency attached by ClinVar (database versions not stated): gnomAD exomes below 0.00001.
gnomAD v4.1: 10 of 1,614,172 alleles (0.00062%); highest among the groups gnomAD compares: Admixed American, 0.0017%; no homozygotes.

Submission:

Labcorp Genetics (formerly Invitae), Labcorp
Classification: Uncertain significance. Last evaluated: 2025-08-21. Review status: criteria provided, single submitter. Criteria: Invitae Variant Classification Sherloc (09022015). Collection method: clinical testing. Allele origin: germline.
Comment: This sequence change replaces proline, which is neutral and non-polar, with serine, which is neutral and polar, at codon 564 of the COL18A1 protein (p.Pro564Ser). This variant is not present in population databases (gnomAD no frequency). This variant has not been reported in the literature in individuals affected with COL18A1-related conditions. ClinVar contains an entry for this variant (Variation ID: 1373999). Experimental studies and prediction algorithms are not available or were not evaluated, and the functional significance of this variant is currently unknown. In summary, the available evidence is currently insufficient to determine the role of this variant in disease. Therefore, it has been classified as a Variant of Uncertain Significance.

NM_001379500.1(COL18A1):c.1690C>T (p.Pro564Ser)

Gene: COL18A1 (collagen type XVIII alpha 1 chain; plus strand). Cytogenetic location: 21q22.3.
Variant type: single nucleotide variant.
Coding change: c.1690C>T on transcript NM_001379500.1 (MANE Select); coding-DNA position 1690, C replaced by T.
Protein change: p.Pro564Ser; replaces proline 564 with serine.
Molecular consequence: missense variant.
Genome position (GRCh38, 1-based): chr21:45,482,810, C>T. VCF-style: chr21-45482810-C-T. GRCh37 (hg19) VCF-style: chr21-46902724-C-T.
Other names: c.2230C>T, p.Pro744Ser (NM_030582.4); c.2935C>T, p.Pro979Ser (NM_130444.3); short protein forms P979S, P744S, P564S.
Identifiers: ClinVar variation 1373999 (VCV001373999.6), dbSNP rs529900513, ClinGen allele CA321917774.